The following is an entry in ClinVar:

NM_153676.4(USH1C):c.901del (p.Arg301fs)

Gene: USH1C (USH1 protein network component harmonin; minus strand). Cytogenetic location: 11p15.1.
Variant type: Deletion.
Coding change: c.901del on transcript NM_153676.4 (MANE Select); coding-DNA position 901, one base deleted (C; older notation c.901delC).
Protein change: p.Arg301fs; shifts the reading frame from arginine 301.
Molecular consequence: frameshift variant. On other transcripts: non-coding transcript variant (1).
Genome position (GRCh38, 1-based): chr11:17,522,902, G deleted on the plus strand (C on the coding strand, the reverse complement: USH1C is on the minus strand); the first of 2 consecutive G bases (chr11:17,522,902-17,522,903); deleting either gives the same sequence. VCF-style (leftmost placement, unchanged base first): chr11-17522901-CG-C. GRCh37 (hg19) VCF-style: chr11-17544448-CG-C.
Other names: c.844del, p.Arg282fs (NM_001297764.2); c.901del, p.Arg301fs (NM_005709.4); short protein forms R282fs, R301fs.
Identifiers: ClinVar variation 2126907 (VCV002126907.4), dbSNP rs2497156286, ClinGen allele CA2580082790.
Genomic context (GRCh38, chr11:17,522,901, plus strand): 5'-TTCTGCATGAGAAGCTCCTGCCGCTGCAGCTCACGCTGCCGCGCCTCTGCCAGCCGCTCC[CG>C]GTCTGTCATGAACAGCTCCCGGCCCTCATGGGAGAAAAGAGGCCCCTTGCTCAGCCCCCG-3'

ClinVar aggregate classification (germline): Pathogenic (1 of 4 stars; one submission).

Submission:

Labcorp Genetics (formerly Invitae), Labcorp
Classification: Pathogenic. Last evaluated: 2022-04-16. Review status: criteria provided, single submitter. Criteria: Invitae Variant Classification Sherloc (09022015). Collection method: clinical testing. Allele origin: germline.
Comment: For these reasons, this variant has been classified as Pathogenic. This variant has not been reported in the literature in individuals affected with USH1C-related conditions. This variant is not present in population databases (gnomAD no frequency). This sequence change creates a premature translational stop signal (p.Arg301Glyfs*64) in the USH1C gene. It is expected to result in an absent or disrupted protein product. Loss-of-function variants in USH1C are known to be pathogenic (PMID: 10973247, 17407589, 20301442, 21203349).

Literature cited by the submitters: PubMed 10973247; PubMed 17407589; PubMed 20301442; PubMed 21203349.